The following is an entry in ClinVar:

ClinVar aggregate classification (germline): Uncertain significance (1 of 4 stars; one submission).

Conditions:
Inborn genetic diseases. Identifiers: MedGen C0950123, MeSH D030342.

Submission:

Ambry Genetics
Classification: Uncertain significance for Inborn genetic diseases. Last evaluated: 2025-09-19. Review status: criteria provided, single submitter. Criteria: Ambry Variant Classification Scheme 2023. Collection method: clinical testing. Allele origin: germline.
Comment: The p.K1087N variant (also known as c.3261G>C), located in coding exon 31 of the RTEL1 gene, results from a G to C substitution at nucleotide position 3261. The lysine at codon 1087 is replaced by asparagine, an amino acid with similar properties. This amino acid position is conserved. In addition, the in silico prediction for this alteration is inconclusive. Based on the available evidence, the clinical significance of this variant remains unclear.

NM_001283009.2(RTEL1):c.3261G>C (p.Lys1087Asn)

Genes: RTEL1 (regulator of telomere elongation helicase 1; plus strand), RTEL1-TNFRSF6B (RTEL1-TNFRSF6B readthrough (NMD candidate); plus strand). Cytogenetic location: 20q13.33.
Variant type: single nucleotide variant.
Coding change: c.3261G>C on transcript NM_001283009.2 (MANE Select); coding-DNA position 3261, G replaced by C.
Protein change: p.Lys1087Asn; replaces lysine 1087 with asparagine.
Molecular consequence: missense variant. On other transcripts: non-coding transcript variant (1).
Genome position (GRCh38, 1-based): chr20:63,694,892, G>C. VCF-style: chr20-63694892-G-C. GRCh37 (hg19) VCF-style: chr20-62326245-G-C.
Other names: c.2592G>C, p.Lys864Asn (NM_001283010.1); c.3261G>C, p.Lys1087Asn (NM_016434.4); c.3333G>C, p.Lys1111Asn (NM_032957.5); short protein forms K1087N, K1111N, K864N.
Identifiers: ClinVar variation 4629510 (VCV004629510.1).